The following is an entry in ClinVar:

NM_001005373.4(LRSAM1):c.1089-212G>A

Gene: LRSAM1 (leucine rich repeat and sterile alpha motif containing 1; plus strand). Cytogenetic location: 9q33.3.
Variant type: single nucleotide variant.
Coding change: c.1089-212G>A on transcript NM_001005373.4 (MANE Select); 212 bases into the intron before coding-DNA position 1089, G replaced by A.
Molecular consequence: intron variant.
Genome position (GRCh38, 1-based): chr9:127,482,738, G>A. VCF-style: chr9-127482738-G-A. GRCh37 (hg19) VCF-style: chr9-130245017-G-A.
Other names: c.1089-212G>A (NM_138361.5, NM_001384142.1, NM_001384143.1 and 2 more transcripts); c.300-212G>A (NM_001384144.1).
Identifiers: ClinVar variation 3024934 (VCV003024934.22), dbSNP rs148930193, ClinGen allele CA199849189.

ClinVar aggregate classification (germline): Likely benign (1 of 4 stars; one submission).

Allele frequency attached by ClinVar (database versions not stated): 1000 Genomes Project 30x 0.00219; 1000 Genomes Project 0.00220; TOPMed 0.00498; gnomAD 0.00544.
gnomAD v4.1: 823 of 152,254 alleles (0.54%); highest among the groups gnomAD compares: Middle Eastern, 2.7%; 2 homozygotes.

Submission:

CeGaT Center for Human Genetics Tuebingen
Classification: Likely benign. Last evaluated: 2026-06-01. Review status: criteria provided, single submitter. Criteria: CeGaT Center For Human Genetics Tuebingen Variant Classification Criteria Version 2. Collection method: clinical testing. Allele origin: germline. Affected: yes. Observed: 11 variant alleles.
Comment: LRSAM1: BS1